The following is an entry in ClinVar:

ClinVar aggregate classification (germline): Uncertain significance (1 of 4 stars; one submission).

Allele frequency attached by ClinVar (database versions not stated): gnomAD exomes below 0.00001; TOPMed 0.00003.
gnomAD v4.1: 3 of 1,211,520 alleles (0.00025%); highest among the groups gnomAD compares: Admixed American, 0.0022%; no homozygotes.

Submission:

Labcorp Genetics (formerly Invitae), Labcorp
Classification: Uncertain significance. Last evaluated: 2025-05-05. Review status: criteria provided, single submitter. Criteria: Invitae Variant Classification Sherloc (09022015). Collection method: clinical testing. Allele origin: germline.
Comment: This sequence change replaces threonine, which is neutral and polar, with serine, which is neutral and polar, at codon 1020 of the TBC1D8B protein (p.Thr1020Ser). This variant is not present in population databases (gnomAD no frequency). This variant has not been reported in the literature in individuals affected with TBC1D8B-related conditions. ClinVar contains an entry for this variant (Variation ID: 1919811). An algorithm developed to predict the effect of missense changes on protein structure and function (PolyPhen-2) suggests that this variant is likely to be disruptive. In summary, the available evidence is currently insufficient to determine the role of this variant in disease. Therefore, it has been classified as a Variant of Uncertain Significance.

NM_017752.3(TBC1D8B):c.3058A>T (p.Thr1020Ser)

Gene: TBC1D8B (TBC1 domain family member 8B; plus strand). Cytogenetic location: Xq22.3.
Variant type: single nucleotide variant.
Coding change: c.3058A>T on transcript NM_017752.3 (MANE Select); coding-DNA position 3058, A replaced by T.
Protein change: p.Thr1020Ser; replaces threonine 1020 with serine.
Molecular consequence: missense variant.
Genome position (GRCh38, 1-based): chrX:106,873,660, A>T. VCF-style: chrX-106873660-A-T. GRCh37 (hg19) VCF-style: chrX-106116890-A-T.
Other names: short protein forms T1020S.
Identifiers: ClinVar variation 1919811 (VCV001919811.5), dbSNP rs1932865534, ClinGen allele CA413825208.